The following is an entry in ClinVar:

NM_001122955.4(BSCL2):c.1120G>T (p.Asp374Tyr)

Genes: HNRNPUL2-BSCL2 (HNRNPUL2-BSCL2 readthrough (NMD candidate); minus strand), BSCL2 (BSCL2 lipid droplet biogenesis associated, seipin; minus strand). Cytogenetic location: 11q12.3.
Variant type: single nucleotide variant.
Coding change: c.1120G>T on transcript NM_001122955.4 (MANE Select); coding-DNA position 1120, G replaced by T.
Protein change: p.Asp374Tyr; replaces aspartic acid 374 with tyrosine.
Molecular consequence: missense variant. On other transcripts: non-coding transcript variant (1).
Genome position (GRCh38, 1-based): chr11:62,690,820, C>A on the plus strand (G>T on the coding strand, the complement: BSCL2 is on the minus strand). VCF-style: chr11-62690820-C-A. GRCh37 (hg19) VCF-style: chr11-62458292-C-A.
Other names: c.786G>T, p.Arg262Ser (NM_001130702.2); c.1126G>T, p.Asp376Tyr (NM_001386027.1); c.1120G>T, p.Asp374Tyr (NM_001386028.1); c.928G>T, p.Asp310Tyr (NM_032667.6); short protein forms D374Y, D310Y, R262S, D376Y.
Identifiers: ClinVar variation 576968 (VCV000576968.10), dbSNP rs778455259, ClinGen allele CA380956857.

ClinVar aggregate classification (germline): Uncertain significance (1 of 4 stars; one submission).

Conditions:
Charcot-Marie-Tooth disease type 2. Also called: Charcot-Marie-Tooth type 2. Identifiers: Orphanet 64746, MedGen C0270914, MONDO:0018993.

Submission:

Labcorp Genetics (formerly Invitae), Labcorp
Classification: Uncertain significance for Charcot-Marie-Tooth disease type 2. Last evaluated: 2025-09-12. Review status: criteria provided, single submitter. Criteria: Invitae Variant Classification Sherloc (09022015). Collection method: clinical testing. Allele origin: germline.
Comment: This sequence change replaces aspartic acid, which is acidic and polar, with tyrosine, which is neutral and polar, at codon 310 of the BSCL2 protein (p.Asp310Tyr). This variant is not present in population databases (gnomAD no frequency). This variant has not been reported in the literature in individuals affected with BSCL2-related conditions. ClinVar contains an entry for this variant (Variation ID: 576968). Invitae Evidence Modeling of protein sequence and biophysical properties (such as structural, functional, and spatial information, amino acid conservation, physicochemical variation, residue mobility, and thermodynamic stability) indicates that this missense variant is not expected to disrupt BSCL2 protein function with a negative predictive value of 80%. In summary, the available evidence is currently insufficient to determine the role of this variant in disease. Therefore, it has been classified as a Variant of Uncertain Significance.